The following is an entry in ClinVar:

ClinVar aggregate classification (germline): Uncertain significance. Review status: criteria provided, multiple submitters, no conflicts (2 of 4 stars). 3 submissions from 3 submitters: Uncertain significance (3). Last evaluated 2024-11-20.

Conditions:
Developmental and epileptic encephalopathy, 53. Also called: Epileptic encephalopathy, early infantile, 53. Identifiers: MedGen C4479313, MONDO:0033362, OMIM 617389.
Early-onset Parkinson disease 20. Also called: PARKINSON DISEASE 20, AUTOSOMAL RECESSIVE EARLY-ONSET. Identifiers: Orphanet 391411, MedGen C3809824, MONDO:0014233, OMIM 615530.
Inborn genetic diseases. Identifiers: MedGen C0950123, MeSH D030342.

Allele frequency attached by ClinVar (database versions not stated): TOPMed 0.00001; gnomAD 0.00003; gnomAD exomes 0.00007; ExAC 0.00016; 1000 Genomes Project 30x 0.00031; 1000 Genomes Project 0.00040.
gnomAD v4.1: 107 of 1,614,184 alleles (0.0066%); highest among the groups gnomAD compares: South Asian, 0.12%; no homozygotes.

Submissions (3):

Blueprint Genetics
Classification: Uncertain significance. Last evaluated: 2024-11-20. Review status: criteria provided, single submitter. Criteria: ACMG Guidelines, 2015. Collection method: clinical testing. Allele origin: germline.

Labcorp Genetics (formerly Invitae), Labcorp
Classification: Uncertain significance for Developmental and epileptic encephalopathy, 53; Early-onset Parkinson disease 20. Last evaluated: 2022-06-29. Review status: criteria provided, single submitter. Criteria: Invitae Variant Classification Sherloc (09022015). Collection method: clinical testing. Allele origin: germline.
Comment: This sequence change replaces glycine, which is neutral and non-polar, with serine, which is neutral and polar, at codon 1564 of the SYNJ1 protein (p.Gly1564Ser). This variant is present in population databases (rs577292452, gnomAD 0.1%). This variant has not been reported in the literature in individuals affected with SYNJ1-related conditions. Algorithms developed to predict the effect of missense changes on protein structure and function output the following: SIFT: "Tolerated"; PolyPhen-2: "Benign"; Align-GVGD: "Class C0". The serine amino acid residue is found in multiple mammalian species, which suggests that this missense change does not adversely affect protein function. In summary, the available evidence is currently insufficient to determine the role of this variant in disease. Therefore, it has been classified as a Variant of Uncertain Significance.

Ambry Genetics
Classification: Uncertain significance for Inborn genetic diseases. Last evaluated: 2021-10-26. Review status: criteria provided, single submitter. Criteria: Ambry Variant Classification Scheme 2023. Collection method: clinical testing. Allele origin: germline.

NM_203446.3(SYNJ1):c.*661G>A

Gene: SYNJ1 (synaptojanin 1; minus strand). Cytogenetic location: 21q22.11.
Variant type: single nucleotide variant.
Coding change: c.*661G>A on transcript NM_203446.3 (MANE Select); 661 bases downstream of the stop codon, G replaced by A.
Molecular consequence: 3 prime UTR variant. On other transcripts: missense variant (2).
Genome position (GRCh38, 1-based): chr21:32,631,144, C>T on the plus strand (G>A on the coding strand, the complement: SYNJ1 is on the minus strand). VCF-style: chr21-32631144-C-T. GRCh37 (hg19) VCF-style: chr21-34003454-C-T.
Other names: c.*661G>A (NM_001160302.2); c.4432G>A, p.Gly1478Ser (NM_001160306.2); c.4690G>A, p.Gly1564Ser (NM_003895.4); short protein forms G1478S, G1564S.
Identifiers: ClinVar variation 2187383 (VCV002187383.3), dbSNP rs577292452, ClinGen allele CA10003070.